The following is an entry in ClinVar:

NM_016247.4(IMPG2):c.1263G>A (p.Trp421Ter)

Gene: IMPG2 (interphotoreceptor matrix proteoglycan 2; minus strand). Cytogenetic location: 3q12.3.
Variant type: single nucleotide variant.
Coding change: c.1263G>A on transcript NM_016247.4 (MANE Select); coding-DNA position 1263, G replaced by A.
Protein change: p.Trp421Ter; replaces tryptophan 421 with a stop codon.
Molecular consequence: nonsense.
Genome position (GRCh38, 1-based): chr3:101,246,082, C>T on the plus strand (G>A on the coding strand, the complement: IMPG2 is on the minus strand). VCF-style: chr3-101246082-C-T. GRCh37 (hg19) VCF-style: chr3-100964926-C-T.
Other names: short protein forms W421*.
Identifiers: ClinVar variation 866148 (VCV000866148.8), dbSNP rs1706474422, ClinGen allele CA353863011.
Genomic context (GRCh38, chr3:101,246,082, plus strand): 5'-AGGACCAGAGCTGAAATCAAGTGGTGGAATACTGCTGGTGATGGATTCATCTGCTGAGGG[C>T]CATGCAGCTTGAAAGGTATTATCCTGGGGGGAAAAAAAGGCTAAATCATATCATAGATAA-3'

ClinVar aggregate classification (germline): Pathogenic/Likely pathogenic. Review status: criteria provided, multiple submitters, no conflicts (2 of 4 stars). 3 submissions from 3 submitters: Pathogenic (2); Likely pathogenic (1). Last evaluated 2023-10-01.

Conditions:
IMPG2-related disorders.
Retinal dystrophy. Also called: Inherited retinal dystrophy. Identifiers: Orphanet 71862, MedGen C0854723, MeSH D058499, MONDO:0019118, HP:0000556.

Submissions (3):

Dept Of Ophthalmology, Nagoya University
Classification: Pathogenic for Retinal dystrophy. Last evaluated: 2023-10-01. Review status: criteria provided, single submitter. Criteria: Submitter's publication. Collection method: research. Allele origin: germline. Affected: yes.

Labcorp Genetics (formerly Invitae), Labcorp
Classification: Pathogenic. Last evaluated: 2022-10-13. Review status: criteria provided, single submitter. Criteria: Invitae Variant Classification Sherloc (09022015). Collection method: clinical testing. Allele origin: germline.
Comment: For these reasons, this variant has been classified as Pathogenic. ClinVar contains an entry for this variant (Variation ID: 866148). This variant has not been reported in the literature in individuals affected with IMPG2-related conditions. This variant is not present in population databases (gnomAD no frequency). This sequence change creates a premature translational stop signal (p.Trp421*) in the IMPG2 gene. It is expected to result in an absent or disrupted protein product. Loss-of-function variants in IMPG2 are known to be pathogenic (PMID: 20673862).

Blueprint Genetics
Classification: Likely pathogenic for IMPG2-related disorders. Last evaluated: 2021-08-31. Review status: criteria provided, single submitter. Criteria: ACMG Guidelines, 2015. Collection method: clinical testing. Allele origin: germline. Affected: yes. Observed: 2 variant alleles.

Literature cited by the submitters: PubMed 20673862 (cited by Labcorp Genetics (formerly Invitae), Labcorp).